The following is an entry in ClinVar:

NM_001377.3(DYNC2H1):c.11411C>G (p.Thr3804Ser)

Gene: DYNC2H1 (dynein cytoplasmic 2 heavy chain 1; plus strand). Cytogenetic location: 11q22.3.
Variant type: single nucleotide variant.
Coding change: c.11411C>G on transcript NM_001377.3 (MANE Select); coding-DNA position 11411, C replaced by G.
Protein change: p.Thr3804Ser; replaces threonine 3804 with serine.
Molecular consequence: missense variant.
Genome position (GRCh38, 1-based): chr11:103,307,749, C>G. VCF-style: chr11-103307749-C-G. GRCh37 (hg19) VCF-style: chr11-103178478-C-G.
Other names: c.11432C>G, p.Thr3811Ser (NM_001080463.2); short protein forms T3804S, T3811S.
Identifiers: ClinVar variation 1481989 (VCV001481989.6), dbSNP rs779520771, ClinGen allele CA382261937.

ClinVar aggregate classification (germline): Uncertain significance (1 of 4 stars; one submission).

Conditions:
Jeune thoracic dystrophy. Also called: Jeune syndrome; Infantile thoracic dystrophy; Thoracic pelvic phalangeal dystrophy; Jeune's syndrome; Chondroectodermal dysplasia-like syndrome; Short-rib thoracic dysplasia. Identifiers: Orphanet 474, MedGen C0265275, MONDO:0018770.

Submission:

Labcorp Genetics (formerly Invitae), Labcorp
Classification: Uncertain significance for Jeune thoracic dystrophy. Last evaluated: 2024-02-24. Review status: criteria provided, single submitter. Criteria: Invitae Variant Classification Sherloc (09022015). Collection method: clinical testing. Allele origin: germline.
Comment: This sequence change replaces threonine, which is neutral and polar, with serine, which is neutral and polar, at codon 3811 of the DYNC2H1 protein (p.Thr3811Ser). This variant is not present in population databases (gnomAD no frequency). This variant has not been reported in the literature in individuals affected with DYNC2H1-related conditions. ClinVar contains an entry for this variant (Variation ID: 1481989). Advanced modeling of protein sequence and biophysical properties (such as structural, functional, and spatial information, amino acid conservation, physicochemical variation, residue mobility, and thermodynamic stability) performed at Invitae indicates that this missense variant is not expected to disrupt DYNC2H1 protein function with a negative predictive value of 95%. In summary, the available evidence is currently insufficient to determine the role of this variant in disease. Therefore, it has been classified as a Variant of Uncertain Significance.